The following is an entry in ClinVar:

NM_020778.5(ALPK3):c.4067C>T (p.Ser1356Phe)

Gene: ALPK3 (alpha kinase 3; plus strand). Cytogenetic location: 15q25.3.
Variant type: single nucleotide variant.
Coding change: c.4067C>T on transcript NM_020778.5 (MANE Select); coding-DNA position 4067, C replaced by T.
Protein change: p.Ser1356Phe; replaces serine 1356 with phenylalanine.
Molecular consequence: missense variant.
Genome position (GRCh38, 1-based): chr15:84,859,877, C>T. VCF-style: chr15-84859877-C-T. GRCh37 (hg19) VCF-style: chr15-85403108-C-T.
Other names: short protein forms S1356F.
Identifiers: ClinVar variation 1742342 (VCV001742342.2), dbSNP rs2505724932, ClinGen allele CA393361999.

ClinVar aggregate classification (germline): Uncertain significance (1 of 4 stars; one submission).

Conditions:
Cardiovascular phenotype. Identifiers: MedGen CN230736.

Allele frequency attached by ClinVar (database versions not stated): gnomAD exomes below 0.00001.
gnomAD v4.1: 4 of 1,614,096 alleles (0.00025%); highest among the groups gnomAD compares: Non-Finnish European, 0.00034%; no homozygotes.

Submission:

Ambry Genetics
Classification: Uncertain significance for Cardiovascular phenotype. Last evaluated: 2022-05-24. Review status: criteria provided, single submitter. Criteria: Ambry Variant Classification Scheme 2023. Collection method: clinical testing. Allele origin: germline.
Comment: The p.S1558F variant (also known as c.4673C>T), located in coding exon 8 of the ALPK3 gene, results from a C to T substitution at nucleotide position 4673. The serine at codon 1558 is replaced by phenylalanine, an amino acid with highly dissimilar properties. This amino acid position is conserved. In addition, this alteration is predicted to be tolerated by in silico analysis. Since supporting evidence is limited at this time, the clinical significance of this alteration remains unclear.